The following is an entry in ClinVar:

ClinVar aggregate classification (germline): Pathogenic (1 of 4 stars; one submission).

Conditions:
Hereditary cancer-predisposing syndrome. Also called: Neoplastic Syndromes, Hereditary; Hereditary Cancer Syndrome; Hereditary neoplastic syndrome; Tumor predisposition. Identifiers: Orphanet 140162, MedGen C0027672, MeSH D009386, MONDO:0015356.

Submission:

Ambry Genetics
Classification: Pathogenic for Hereditary cancer-predisposing syndrome. Last evaluated: 2023-06-13. Review status: criteria provided, single submitter. Criteria: Ambry Variant Classification Scheme 2023. Collection method: clinical testing. Allele origin: germline.
Comment: The c.1024_1026delAAGinsGAGCTGGCAGCCCCGGAAT variant, located in coding exon 6 of the FLCN gene, results from the deletion of 3 nucleotides and insertion of 19 nucleotides causing a translational frameshift with a predicted alternate stop codon (p.K342Efs*53). This alteration has been observed in at least one individual with a personal and/or family history that is consistent with FLCN-related disease (Ambry internal data). This variant is considered to be rare based on population cohorts in the Genome Aggregation Database (gnomAD). This alteration is expected to result in loss of function by premature protein truncation or nonsense-mediated mRNA decay. As such, this alteration is interpreted as a disease-causing mutation.

NM_144997.7(FLCN):c.1024_1026delinsGAGCTGGCAGCCCCGGAAT (p.Lys342fs)

Gene: FLCN (folliculin; minus strand). Cytogenetic location: 17p11.2.
Variant type: Indel.
Coding change: c.1024_1026delinsGAGCTGGCAGCCCCGGAAT on transcript NM_144997.7 (MANE Select); coding-DNA positions 1024 to 1026, AAG replaced by GAGCTGGCAGCCCCGGAAT.
Protein change: p.Lys342fs; shifts the reading frame from lysine 342.
Molecular consequence: frameshift variant.
Genome position (GRCh38, 1-based): chr17:17,219,055-17,219,057, CTT replaced by ATTCCGGGGCTGCCAGCTC on the plus strand (AAG replaced by GAGCTGGCAGCCCCGGAAT on the coding strand, the reverse complement: FLCN is on the minus strand). VCF-style: chr17-17219055-CTT-ATTCCGGGGCTGCCAGCTC. GRCh37 (hg19) VCF-style: chr17-17122369-CTT-ATTCCGGGGCTGCCAGCTC.
Other names: c.1078_1080delinsGAGCTGGCAGCCCCGGAAT, p.Lys360fs (NM_001353229.2); c.1024_1026delinsGAGCTGGCAGCCCCGGAAT, p.Lys342fs (NM_001353230.2, NM_001353231.2); short protein forms K342fs, K360fs.
Identifiers: ClinVar variation 2566341 (VCV002566341.2), dbSNP rs2544193658, ClinGen allele CA2580614015.